The following is an entry in ClinVar:

NM_017636.4(TRPM4):c.1575G>A (p.Trp525Ter)

Gene: TRPM4 (transient receptor potential cation channel subfamily M member 4; plus strand). Cytogenetic location: 19q13.33.
Variant type: single nucleotide variant.
Coding change: c.1575G>A on transcript NM_017636.4 (MANE Select); coding-DNA position 1575, G replaced by A.
Protein change: p.Trp525Ter; replaces tryptophan 525 with a stop codon.
Molecular consequence: nonsense. On other transcripts: intron variant (1).
Genome position (GRCh38, 1-based): chr19:49,182,889, G>A. VCF-style: chr19-49182889-G-A. GRCh37 (hg19) VCF-style: chr19-49686146-G-A.
Other names: c.1575G>A, p.Trp525Ter (NM_001195227.2); c.1230G>A, p.Trp410Ter (NM_001321281.2); c.1053G>A, p.Trp351Ter (NM_001321283.2); c.513G>A, p.Trp171Ter (NM_001321285.2); c.-1+22G>A (NM_001321282.2); short protein forms W525*, W171*, W351*, W410*.
Identifiers: ClinVar variation 241176 (VCV000241176.88), dbSNP rs71352737, ClinGen allele CA9569229.

ClinVar aggregate classification (germline): Conflicting classifications of pathogenicity. Review status: criteria provided, conflicting classifications (1 of 4 stars). 14 submissions from 14 submitters: Uncertain significance (1); Benign (4); Likely benign (6). 3 of the submissions do not count toward it. Last evaluated 2026-09-01.

Conditions:
TRPM4-related disorder. Also called: TRPM4-related disorders; TRPM4-related condition. Identifiers: MedGen CN239424.
Cardiovascular phenotype. Identifiers: MedGen CN230736.
Sudden cardiac death (SCD). Also called: Sudden adult death syndrome. Identifiers: MedGen C0085298, MeSH D016757, HP:0001645.
Progressive familial heart block type IB (PFHB1B). Identifiers: Orphanet 871, MedGen C1970298, MONDO:0011474, OMIM 604559.

Allele frequency attached by ClinVar (database versions not stated): 1000 Genomes Project 0.00040; 1000 Genomes Project 30x 0.00047; ESP Exome Variant Server 0.00075; TOPMed 0.00105; gnomAD exomes 0.00149 and 0.00182; ExAC 0.00157; gnomAD 0.00165 and 0.00168.
gnomAD v4.1: 2,855 of 1,601,502 alleles (0.18%); highest among the groups gnomAD compares: Middle Eastern, 0.51%; 7 homozygotes.

Submissions (14):

CeGaT Center for Human Genetics Tuebingen
Classification: Benign. Last evaluated: 2026-09-01. Review status: criteria provided, single submitter. Criteria: CeGaT Center For Human Genetics Tuebingen Variant Classification Criteria Version 2. Collection method: clinical testing. Allele origin: germline. Affected: yes. Observed: 2 variant alleles.
Comment: TRPM4: BS1, BS2

Labcorp Genetics (formerly Invitae), Labcorp
Classification: Benign for Progressive familial heart block type IB. Last evaluated: 2026-02-03. Review status: criteria provided, single submitter. Criteria: Invitae Variant Classification Sherloc (09022015). Collection method: clinical testing. Allele origin: germline.

PreventionGenetics, part of Exact Sciences
Classification: Likely benign for TRPM4-related condition. Last evaluated: 2025-08-13. Review status: criteria provided, single submitter. Criteria: ACMG Guidelines, 2015. Collection method: clinical testing. Allele origin: germline.
Comment: This variant is classified as likely benign based on ACMG/AMP sequence variant interpretation guidelines (Richards et al. 2015 PMID: 25741868, with internal and published modifications).

Blueprint Genetics
Classification: Likely benign. Last evaluated: 2024-11-22. Review status: criteria provided, single submitter. Criteria: ACMG Guidelines, 2015. Collection method: clinical testing. Allele origin: germline.

Victorian Clinical Genetics Services, Murdoch Childrens Research Institute
Classification: Likely benign for Progressive familial heart block type IB. Last evaluated: 2024-09-23. Review status: criteria provided, single submitter. Criteria: ACMG Guidelines, 2015. Collection method: clinical testing. Allele origin: germline. Inheritance: Autosomal dominant inheritance.
Comment: Based on the classification scheme VCGS_Germline_v1.3.4, this variant is classified as Likely benign. Following criteria are met: 0101 - Gain of function is a known mechanism of disease in this gene and is associated with progressive familial heart block, type IB (MIM#604559). Gain of function has been reported for missense variants while there are limited reports demonstrated loss of function as a mechanism of disease for missense variants (PMIDs: 20562447, 29568272, 28315637). It should also be noted that it is currently unclear if null variants can cause disease. (I) 0107 - This gene is associated with autosomal dominant disease. There is moderate evidence for its association with progressive familial heart block, type IB (MIM#604559), and low evidence for its association with erythrokeratodermia variabilis et progressiva 6 (MIM#618531) (PanelApp Australia). (I) 0112 - The condition associated with this gene has incomplete penetrance. Incomplete penetrance has been reported in families or individuals with cardiac conduction disease (PMID: 20562447). (I) 0201 - Variant is predicted to cause nonsense-mediated decay (NMD) and loss of protein (premature termination codon is located at least 54 nucleotides upstream of the final exon-exon junction). (SP) 0251 - This variant is heterozygous. (I) 0308 - Population frequency for this variant is out of keeping with known incidence of progressive familial heart block, type IB (MIM#604559) (gnomAD v2 and v3: 580 heterozygotes, 4 homozygotes). (SB) 0710 - Other null variants comparable to the one identified in this case have inconclusive previous evidence for pathogenicity. Other NMD-predicted variants have been classified as like benign, benign or a VUS (ClinVar, CeGaT Center for Human Genetics Tuebingen personal communication). It should be noted that variants that have been classified as likely benign or benign also have a large number of heterozygotes in gnomAD v2. (I) 0808 - Previous reports of pathogenicity for this variant are conflicting. This variant has been classified as likely benign or benign by multiple clinical diagnostic laboratories although it has also been reported in individuals with sudden infant death syndrome or sudden death and considered potentially causative (PMIDs: 26350513, 28074886, 31847883). However, a recent publication from the European Society of Cardiology Council on cardiovascular genomics considers this variant to be non-pathogenic (PMID: 35089333). (I) 1208 - Inheritance information for this variant is not currently available in this individual. (I) Legend: (SP) - Supporting pathogenic, (I) - Information, (SB) - Supporting benign

Scripps Translational Science Institute, Scripps Health and The Scripps Research Institute
Classification: Uncertain significance for Sudden cardiac death. Last evaluated: 2023-12-04. Review status: criteria provided, single submitter. Criteria: STSI Molecular Autopsy Criteria. Collection method: research. Allele origin: germline. Affected: yes. Observed: 4 variant alleles. Study: Molecular Autopsy.

Women's Health and Genetics/Laboratory Corporation of America, LabCorp
Classification: Benign. Last evaluated: 2023-02-17. Review status: criteria provided, single submitter. Criteria: LabCorp Variant Classification Summary - May 2015. Collection method: clinical testing. Allele origin: germline.
Comment: Variant summary: TRPM4 c.1575G>A (p.Trp525X) results in a premature termination codon, predicted to cause a truncation of the encoded protein or absence of the protein due to nonsense mediated decay. It is not possible to predict the impact of this nonsense variant since Gain-of-Function is the common mechanism of disease for TRPM4 in Progressive Familial Heart Block, Type 1B (OMIM 606936). The variant allele was found at a frequency of 0.0015 in 260054 control chromosomes in the gnomAD database, including 3 homozygotes. The observed variant frequency is approximately 600 fold of the estimated maximal expected allele frequency for a pathogenic variant in TRPM4 causing Progressive Familial Heart Block Type 1B phenotype (2.5e-06), strongly suggesting that the variant is benign. Seven ClinVar submitters have assessed the variant since 2014: one classified the variant as uncertain significance, one as likely pathogenic, three as likely benign, and two as benign. Based on the evidence outlined above, the variant was classified as benign.

ARUP Laboratories, Molecular Genetics and Genomics, ARUP Laboratories
Classification: Likely benign. Last evaluated: 2020-08-10. Review status: criteria provided, single submitter. Criteria: ARUP Molecular Germline Variant Investigation Process. Collection method: clinical testing. Allele origin: germline.

Ambry Genetics
Classification: Likely benign for Cardiovascular phenotype. Last evaluated: 2019-04-03. Review status: criteria provided, single submitter. Criteria: Ambry Variant Classification Scheme 2023. Collection method: clinical testing. Allele origin: germline.

Illumina Laboratory Services, Illumina
Classification: Likely benign for Progressive familial heart block type IB. Last evaluated: 2017-04-27. Review status: criteria provided, single submitter. Criteria: ICSL Variant Classification Criteria 13 December 2019. Collection method: clinical testing. Allele origin: germline.
Comment: This variant was observed as part of a predisposition screen in an ostensibly healthy population. A literature search was performed for the gene, cDNA change, and amino acid change (where applicable). Publications were found based on this search. The evidence from the literature, in combination with allele frequency data from public databases where available, was sufficient to determine this variant is unlikely to cause disease. Therefore, this variant is classified as likely benign.

GeneDx
Classification: Benign. Last evaluated: 2016-10-27. Review status: criteria provided, single submitter. Criteria: GeneDx Variant Classification (06012015). Collection method: clinical testing. Allele origin: germline. Affected: yes.
Comment: This variant is considered likely benign or benign based on one or more of the following criteria: it is a conservative change, it occurs at a poorly conserved position in the protein, it is predicted to be benign by multiple in silico algorithms, and/or has population frequency not consistent with disease.

Clinical Genetics DNA and cytogenetics Diagnostics Lab, Erasmus MC, Erasmus Medical Center
Classification: Likely benign. Review status: no assertion criteria provided. Collection method: clinical testing. Allele origin: germline. Affected: yes. Study: VKGL Data-share Consensus. Not counted in ClinVar's aggregate classification.

Clinical Genetics, Academic Medical Center
Classification: Likely benign. Review status: no assertion criteria provided. Collection method: clinical testing. Allele origin: germline. Affected: yes. Study: VKGL Data-share Consensus. Not counted in ClinVar's aggregate classification.

Diagnostic Laboratory, Department of Genetics, University Medical Center Groningen
Classification: Likely benign. Review status: no assertion criteria provided. Collection method: clinical testing. Allele origin: germline. Affected: yes. Study: VKGL Data-share Consensus. Not counted in ClinVar's aggregate classification.

Literature cited by the submitters: PubMed 20562447 (cited by Victorian Clinical Genetics Services, Murdoch Childrens Research Institute); PubMed 26350513 (cited by Victorian Clinical Genetics Services, Murdoch Childrens Research Institute and Ambry Genetics); PubMed 28074886 (cited by Victorian Clinical Genetics Services, Murdoch Childrens Research Institute and Ambry Genetics); PubMed 28315637 (cited by Victorian Clinical Genetics Services, Murdoch Childrens Research Institute); PubMed 29568272 (cited by Victorian Clinical Genetics Services, Murdoch Childrens Research Institute); PubMed 31847883 (cited by Victorian Clinical Genetics Services, Murdoch Childrens Research Institute); PubMed 35089333 (cited by Victorian Clinical Genetics Services, Murdoch Childrens Research Institute); PubMed 30142439 (cited by Ambry Genetics); PubMed 24019741 (cited by Illumina Laboratory Services, Illumina).